The following is an entry in ClinVar:

NM_000404.4(GLB1):c.1742T>G (p.Val581Gly)

Gene: GLB1 (galactosidase beta 1; minus strand). Cytogenetic location: 3p22.3.
Variant type: single nucleotide variant.
Coding change: c.1742T>G on transcript NM_000404.4 (MANE Select); coding-DNA position 1742, T replaced by G.
Protein change: p.Val581Gly; replaces valine 581 with glycine.
Molecular consequence: missense variant. On other transcripts: intron variant (1).
Genome position (GRCh38, 1-based): chr3:32,997,337, A>C on the plus strand (T>G on the coding strand, the complement: GLB1 is on the minus strand). VCF-style: chr3-32997337-A-C. GRCh37 (hg19) VCF-style: chr3-33038829-A-C.
Other names: c.1652T>G, p.Val551Gly (NM_001079811.3); c.1349T>G, p.Val450Gly (NM_001135602.3); c.1886T>G, p.Val629Gly (NM_001317040.2); c.1734+16719T>G (NM_001393580.1); short protein forms V450G, V629G, V551G, V581G.
Identifiers: ClinVar variation 2951049 (VCV002951049.3), dbSNP rs2471199391, ClinGen allele CA352000843.

ClinVar aggregate classification (germline): Likely pathogenic (1 of 4 stars; one submission).

Conditions:
Mucopolysaccharidosis, MPS-IV-B (MPS4B). Also called: Mucopolysaccharidosis type 4B; Mucopolysaccharidosis type IVB (Morquio); MPS IVB; MORQUIO SYNDROME B; Mucopolysaccharidosis type IV B; Mucopolysaccharidosis Type IVB. Identifiers: Orphanet 309310, Orphanet 582, MedGen C0086652, MONDO:0009660, OMIM 253010.
GM1 gangliosidosis. Identifiers: Orphanet 354, MedGen C0085131, MONDO:0018149.

Submission:

Labcorp Genetics (formerly Invitae), Labcorp
Classification: Likely pathogenic for Mucopolysaccharidosis, MPS-IV-B; GM1 gangliosidosis. Last evaluated: 2023-12-02. Review status: criteria provided, single submitter. Criteria: Invitae Variant Classification Sherloc (09022015). Collection method: clinical testing. Allele origin: germline.
Comment: This sequence change replaces valine, which is neutral and non-polar, with glycine, which is neutral and non-polar, at codon 581 of the GLB1 protein (p.Val581Gly). This variant is not present in population databases (gnomAD no frequency). This missense change has been observed in individual(s) with clinical features of GLB1-related conditions (Invitae). In at least one individual the data is consistent with being in trans (on the opposite chromosome) from a pathogenic variant. Advanced modeling of protein sequence and biophysical properties (such as structural, functional, and spatial information, amino acid conservation, physicochemical variation, residue mobility, and thermodynamic stability) performed at Invitae indicates that this missense variant is expected to disrupt GLB1 protein function with a positive predictive value of 95%. In summary, the currently available evidence indicates that the variant is pathogenic, but additional data are needed to prove that conclusively. Therefore, this variant has been classified as Likely Pathogenic.